The following is an entry in ClinVar:

NM_004714.3(DYRK1B):c.1599G>C (p.Ser533=)

Gene: DYRK1B (dual specificity tyrosine phosphorylation regulated kinase 1B; minus strand). Cytogenetic location: 19q13.2.
Variant type: single nucleotide variant.
Coding change: c.1599G>C on transcript NM_004714.3 (MANE Select); coding-DNA position 1599, G replaced by C.
Protein change: p.Ser533=; no amino-acid change (serine 533 retained).
Molecular consequence: synonymous variant.
Genome position (GRCh38, 1-based): chr19:39,826,006, C>G on the plus strand (G>C on the coding strand, the complement: DYRK1B is on the minus strand). VCF-style: chr19-39826006-C-G. GRCh37 (hg19) VCF-style: chr19-40316646-C-G.
Other names: c.1479G>C, p.Ser493= (NM_006483.3); c.1515G>C, p.Ser505= (NM_006484.3).
Identifiers: ClinVar variation 3357219 (VCV003357219.1).

ClinVar aggregate classification (germline): Likely benign (0 of 4 stars; one submission).

Conditions:
DYRK1B-related disorder. Also called: DYRK1B-related condition.

gnomAD v4.1: 2 of 1,522,606 alleles (0.00013%); highest among the groups gnomAD compares: Non-Finnish European, 0.00018%; no homozygotes.

Submission:

PreventionGenetics, part of Exact Sciences
Classification: Likely benign for DYRK1B-related condition. Last evaluated: 2022-09-14. Review status: no assertion criteria provided. Collection method: clinical testing. Allele origin: germline.
Comment: This variant is classified as likely benign based on ACMG/AMP sequence variant interpretation guidelines (Richards et al. 2015 PMID: 25741868, with internal and published modifications).